The following is an entry in ClinVar:

ClinVar aggregate classification (germline): Conflicting classifications of pathogenicity. Review status: criteria provided, conflicting classifications (1 of 4 stars). 4 submissions from 4 submitters: Uncertain significance (1); Benign (1); Likely benign (2). Last evaluated 2026-05-01.

Conditions:
Inborn genetic diseases. Identifiers: MedGen C0950123, MeSH D030342.

Submissions (4):

CeGaT Center for Human Genetics Tuebingen
Classification: Benign. Last evaluated: 2026-05-01. Review status: criteria provided, single submitter. Criteria: CeGaT Center For Human Genetics Tuebingen Variant Classification Criteria Version 2. Collection method: clinical testing. Allele origin: germline. Affected: yes. Observed: 9 variant alleles.
Comment: ZSWIM6: BS1, BS2

Blueprint Genetics
Classification: Likely benign. Last evaluated: 2024-11-25. Review status: criteria provided, single submitter. Criteria: ACMG Guidelines, 2015. Collection method: clinical testing. Allele origin: germline.

Ambry Genetics
Classification: Likely benign for Inborn genetic diseases. Last evaluated: 2022-09-20. Review status: criteria provided, single submitter. Criteria: Ambry Variant Classification Scheme 2023. Collection method: clinical testing. Allele origin: germline.

Labcorp Genetics (formerly Invitae), Labcorp
Classification: Uncertain significance. Last evaluated: 2021-01-08. Review status: criteria provided, single submitter. Criteria: Invitae Variant Classification Sherloc (09022015). Collection method: clinical testing. Allele origin: germline.
Comment: In summary, the available evidence is currently insufficient to determine the role of this variant in disease. Therefore, it has been classified as a Variant of Uncertain Significance. Experimental studies and prediction algorithms are not available or were not evaluated, and the functional significance of this variant is currently unknown. This variant has not been reported in the literature in individuals with ZSWIM6-related conditions. The frequency data for this variant in the population databases is considered unreliable, as metrics indicate insufficient coverage at this position in the ExAC database. This variant, c.543_551del, results in the deletion of 3 amino acid(s) of the ZSWIM6 protein (p.Ala182_Ala184del), but otherwise preserves the integrity of the reading frame.

NM_020928.2(ZSWIM6):c.522CGC[7] (p.Ala182_Ala184del)

Gene: ZSWIM6 (zinc finger SWIM-type containing 6; plus strand). Cytogenetic location: 5q12.1.
Variant type: Microsatellite.
Coding change: c.522CGC[7] on transcript NM_020928.2 (MANE Select); seven copies in a row of the 3-base unit CGC starting at c.522; the reference has ten copies in a row; three copies, 9 bases deleted.
Protein change: p.Ala182_Ala184del.
Molecular consequence: inframe deletion.
Genome position (GRCh38, 1-based): chr5:61,332,815-61,332,823, CGCCGCCGC deleted; deleting any 9 consecutive bases within chr5:61,332,792-61,332,823 gives the same sequence; the position shown is the placement nearest the transcript's 3' end. VCF-style (leftmost placement, unchanged base first): chr5-61332791-TGCCGCCGCC-T. GRCh37 (hg19) VCF-style: chr5-60628618-TGCCGCCGCC-T.
Identifiers: ClinVar variation 1988741 (VCV001988741.26), dbSNP rs1262946696, ClinGen allele CA560299905.